The following is an entry in ClinVar:

NM_001291303.3(FAT4):c.3617A>G (p.Asn1206Ser)

Gene: FAT4 (FAT atypical cadherin 4; plus strand). Cytogenetic location: 4q28.1.
Variant type: single nucleotide variant.
Coding change: c.3617A>G on transcript NM_001291303.3 (MANE Select); coding-DNA position 3617, A replaced by G.
Protein change: p.Asn1206Ser; replaces asparagine 1206 with serine.
Molecular consequence: missense variant.
Genome position (GRCh38, 1-based): chr4:125,320,028, A>G. VCF-style: chr4-125320028-A-G. GRCh37 (hg19) VCF-style: chr4-126241183-A-G.
Other names: c.3617A>G, p.Asn1206Ser (NM_001291285.3, NM_024582.6); short protein forms N1206S.
Identifiers: ClinVar variation 2816946 (VCV002816946.3), dbSNP rs1179614180, ClinGen allele CA358124378.

ClinVar aggregate classification (germline): Uncertain significance (1 of 4 stars; one submission).

Allele frequency attached by ClinVar (database versions not stated): gnomAD exomes below 0.00001.
gnomAD v4.1: 2 of 1,613,348 alleles (0.00012%); highest among the groups gnomAD compares: East Asian, 0.0045%; no homozygotes.

Submission:

Labcorp Genetics (formerly Invitae), Labcorp
Classification: Uncertain significance. Last evaluated: 2023-02-28. Review status: criteria provided, single submitter. Criteria: Invitae Variant Classification Sherloc (09022015). Collection method: clinical testing. Allele origin: germline.
Comment: Advanced modeling of protein sequence and biophysical properties (such as structural, functional, and spatial information, amino acid conservation, physicochemical variation, residue mobility, and thermodynamic stability) performed at Invitae indicates that this missense variant is not expected to disrupt FAT4 protein function. This variant has not been reported in the literature in individuals affected with FAT4-related conditions. This variant is present in population databases (no rsID available, gnomAD 0.01%). This sequence change replaces asparagine, which is neutral and polar, with serine, which is neutral and polar, at codon 1206 of the FAT4 protein (p.Asn1206Ser). In summary, the available evidence is currently insufficient to determine the role of this variant in disease. Therefore, it has been classified as a Variant of Uncertain Significance.